The following is an entry in ClinVar:

ClinVar aggregate classification (germline): Pathogenic (1 of 4 stars; one submission).

Conditions:
Hereditary nonpolyposis colorectal neoplasms. Identifiers: MedGen C0009405, MeSH D003123.

Allele frequency attached by ClinVar (database versions not stated): TOPMed below 0.00001.

Submission:

Labcorp Genetics (formerly Invitae), Labcorp
Classification: Pathogenic for Hereditary nonpolyposis colorectal neoplasms. Last evaluated: 2021-09-20. Review status: criteria provided, single submitter. Criteria: Invitae Variant Classification Sherloc (09022015). Collection method: clinical testing. Allele origin: germline.
Comment: For these reasons, this variant has been classified as Pathogenic. This variant has not been reported in the literature in individuals affected with PMS2-related conditions. This variant is not present in population databases (ExAC no frequency). This sequence change creates a premature translational stop signal (p.Glu5*) in the PMS2 gene. It is expected to result in an absent or disrupted protein product. Loss-of-function variants in PMS2 are known to be pathogenic (PMID: 21376568, 24362816).

Literature cited by the submitters: PubMed 21376568; PubMed 24362816.

NM_000535.7(PMS2):c.12dup (p.Glu5Ter)

Gene: PMS2 (PMS1 homolog 2, mismatch repair system component; minus strand). Cytogenetic location: 7p22.1.
Variant type: Duplication.
Coding change: c.12dup on transcript NM_000535.7 (MANE Select); coding-DNA position 12, one base duplicated (T; older notation c.12dupT).
Protein change: p.Glu5Ter; replaces glutamic acid 5 with a stop codon.
Molecular consequence: nonsense. On other transcripts: 5 prime UTR variant (11), non-coding transcript variant (1).
Genome position (GRCh38, 1-based): chr7:6,009,008, A duplicated on the plus strand (T on the coding strand, the reverse complement: PMS2 is on the minus strand). VCF-style (leftmost placement, unchanged base first): chr7-6009007-C-CA. GRCh37 (hg19) VCF-style: chr7-6048638-C-CA.
Other names: c.-389dup (NM_001322003.2, NM_001322013.2); c.-254dup (NM_001322004.2, NM_001322010.2); c.-584dup (NM_001322005.2); c.12dup, p.Glu5Ter (NM_001322006.2, NM_001322014.2); c.-204dup (NM_001322007.2); c.-64dup (NM_001322008.2); c.-579dup (NM_001322009.2); c.-873dup (NM_001322011.2); and 2 more; short protein forms E5*.
Identifiers: ClinVar variation 1406959 (VCV001406959.6), dbSNP rs1282857832, ClinGen allele CA840354122.